The following is an entry in ClinVar:

ClinVar aggregate classification (germline): Uncertain significance. Review status: criteria provided, multiple submitters, no conflicts (2 of 4 stars). 2 submissions from 2 submitters: Uncertain significance (2). Last evaluated 2024-08-26.

Conditions:
LAMA2-related muscular dystrophy (LAMA2-RD). Also called: Laminin alpha 2-related dystrophy. Identifiers: MedGen C5679788, MONDO:0100228.

Submissions (2):

Women's Health and Genetics/Laboratory Corporation of America, LabCorp
Classification: Uncertain significance. Last evaluated: 2024-08-26. Review status: criteria provided, single submitter. Criteria: LabCorp Variant Classification Summary - May 2015. Collection method: clinical testing. Allele origin: germline.
Comment: Variant summary: LAMA2 c.4840A>G (p.Asn1614Asp) results in a conservative amino acid change located in the Laminin alpha, domain I (IPR009254) of the encoded protein sequence. Three of five in-silico tools predict a damaging effect of the variant on protein function. The variant was absent in 250790 control chromosomes. The available data on variant occurrences in the general population are insufficient to allow any conclusion about variant significance. c.4840A>G has been reported in the literature in at-least one individual affected with merosindeficient congenital muscular dystrophy type 1A (example: Khorrami_2021). These report(s) do not provide unequivocal conclusions about association of the variant with Laminin Alpha 2-Related Dystrophy. To our knowledge, no experimental evidence demonstrating an impact on protein function has been reported. The following publication has been ascertained in the context of this evaluation (PMID: 34528292). ClinVar contains an entry for this variant (Variation ID: 1474210). Based on the evidence outlined above, the variant was classified as uncertain significance.

Labcorp Genetics (formerly Invitae), Labcorp
Classification: Uncertain significance for LAMA2-related muscular dystrophy. Last evaluated: 2024-05-15. Review status: criteria provided, single submitter. Criteria: Invitae Variant Classification Sherloc (09022015). Collection method: clinical testing. Allele origin: germline.
Comment: This sequence change replaces asparagine, which is neutral and polar, with aspartic acid, which is acidic and polar, at codon 1614 of the LAMA2 protein (p.Asn1614Asp). This variant is not present in population databases (gnomAD no frequency). This missense change has been observed in individual(s) with congenital muscular dystrophy (PMID: 34528292). ClinVar contains an entry for this variant (Variation ID: 1474210). Advanced modeling of protein sequence and biophysical properties (such as structural, functional, and spatial information, amino acid conservation, physicochemical variation, residue mobility, and thermodynamic stability) performed at Invitae indicates that this missense variant is not expected to disrupt LAMA2 protein function with a negative predictive value of 95%. In summary, the available evidence is currently insufficient to determine the role of this variant in disease. Therefore, it has been classified as a Variant of Uncertain Significance.

Literature cited by the submitters: PubMed 34528292 (cited by Women's Health and Genetics/Laboratory Corporation of America, LabCorp and Labcorp Genetics (formerly Invitae), Labcorp).

NM_000426.4(LAMA2):c.4840A>G (p.Asn1614Asp)

Gene: LAMA2 (laminin subunit alpha 2; plus strand). Cytogenetic location: 6q22.33.
Variant type: single nucleotide variant.
Coding change: c.4840A>G on transcript NM_000426.4 (MANE Select); coding-DNA position 4840, A replaced by G.
Protein change: p.Asn1614Asp; replaces asparagine 1614 with aspartic acid.
Molecular consequence: missense variant.
Genome position (GRCh38, 1-based): chr6:129,366,341, A>G. VCF-style: chr6-129366341-A-G. GRCh37 (hg19) VCF-style: chr6-129687486-A-G.
Other names: c.4840A>G, p.Asn1614Asp (NM_001079823.2); short protein forms N1614D.
Identifiers: ClinVar variation 1474210 (VCV001474210.8), dbSNP rs2114620163, ClinGen allele CA365622973.